The following is an entry in ClinVar:

ClinVar aggregate classification (germline): Uncertain significance. Review status: criteria provided, multiple submitters, no conflicts (2 of 4 stars). 2 submissions from 2 submitters: Uncertain significance (2). Last evaluated 2025-11-06.

gnomAD v4.1: 32 of 1,613,598 alleles (0.002%); highest among the groups gnomAD compares: Admixed American, 0.005%; no homozygotes.

Submissions (2):

Ambry Genetics
Classification: Uncertain significance. Last evaluated: 2025-11-06. Review status: criteria provided, single submitter. Criteria: Ambry Variant Classification Scheme 2023. Collection method: clinical testing. Allele origin: germline.

Labcorp Genetics (formerly Invitae), Labcorp
Classification: Uncertain significance. Last evaluated: 2025-03-06. Review status: criteria provided, single submitter. Criteria: Invitae Variant Classification Sherloc (09022015). Collection method: clinical testing. Allele origin: germline.
Comment: This sequence change replaces valine, which is neutral and non-polar, with methionine, which is neutral and non-polar, at codon 832 of the KANK4 protein (p.Val832Met). This variant is present in population databases (rs764941091, gnomAD 0.01%). This variant has not been reported in the literature in individuals affected with KANK4-related conditions. An algorithm developed to predict the effect of missense changes on protein structure and function (PolyPhen-2) suggests that this variant is likely to be disruptive. In summary, the available evidence is currently insufficient to determine the role of this variant in disease. Therefore, it has been classified as a Variant of Uncertain Significance.

NM_181712.5(KANK4):c.2494G>A (p.Val832Met)

Gene: KANK4 (KN motif and ankyrin repeat domains 4; minus strand). Cytogenetic location: 1p31.3.
Variant type: single nucleotide variant.
Coding change: c.2494G>A on transcript NM_181712.5 (MANE Select); coding-DNA position 2494, G replaced by A.
Protein change: p.Val832Met; replaces valine 832 with methionine.
Molecular consequence: missense variant.
Genome position (GRCh38, 1-based): chr1:62,263,137, C>T on the plus strand (G>A on the coding strand, the complement: KANK4 is on the minus strand). VCF-style: chr1-62263137-C-T. GRCh37 (hg19) VCF-style: chr1-62728809-C-T.
Other names: c.610G>A, p.Val204Met (NM_001320269.2); short protein forms V204M, V832M.
Identifiers: ClinVar variation 4680611 (VCV004680611.2).
Genomic context (GRCh38, chr1:62,263,137, plus strand): 5'-GCAACCACTTCTGACCTGTCTCCAGCAGCAGCTTCACGATGGAGAAGTTGGAGTGGGACA[C>T]GCTGTAGTGAAGGGCCGTGTTCCCGTTGTGATCGGCCAAGTTGACAAGCAGTTTCAGGAA-3'
Protein context (NP_859063.3, residues 822-842): HNGNTALHYS[Val832Met]SHSNFSIVKL